The following is an entry in ClinVar:

ClinVar aggregate classification (germline): Uncertain significance (1 of 4 stars; one submission).

Allele frequency attached by ClinVar (database versions not stated): gnomAD exomes below 0.00001 and 0.00001; TOPMed below 0.00001; ExAC 0.00001; gnomAD 0.00001.
gnomAD v4.1: 19 of 1,613,792 alleles (0.0012%); highest among the groups gnomAD compares: Non-Finnish European, 0.0015%; no homozygotes.

Submission:

Labcorp Genetics (formerly Invitae), Labcorp
Classification: Uncertain significance. Last evaluated: 2021-04-24. Review status: criteria provided, single submitter. Criteria: Invitae Variant Classification Sherloc (09022015). Collection method: clinical testing. Allele origin: germline.
Comment: This sequence change replaces histidine with leucine at codon 629 of the ERCC3 protein (p.His629Leu). The histidine residue is highly conserved and there is a moderate physicochemical difference between histidine and leucine. This variant is present in population databases (rs753886932, ExAC 0.001%). This variant has not been reported in the literature in individuals with ERCC3-related conditions. Algorithms developed to predict the effect of missense changes on protein structure and function are either unavailable or do not agree on the potential impact of this missense change (SIFT: "Deleterious"; PolyPhen-2: "Probably Damaging"; Align-GVGD: "Class C0"). In summary, the available evidence is currently insufficient to determine the role of this variant in disease. Therefore, it has been classified as a Variant of Uncertain Significance.

NM_000122.2(ERCC3):c.1886A>T (p.His629Leu)

Gene: ERCC3 (ERCC excision repair 3, TFIIH core complex helicase subunit; minus strand). Cytogenetic location: 2q14.3.
Variant type: single nucleotide variant.
Coding change: c.1886A>T on transcript NM_000122.2 (MANE Select); coding-DNA position 1886, A replaced by T.
Protein change: p.His629Leu; replaces histidine 629 with leucine.
Molecular consequence: missense variant.
Genome position (GRCh38, 1-based): chr2:127,271,395, T>A on the plus strand (A>T on the coding strand, the complement: ERCC3 is on the minus strand). VCF-style: chr2-127271395-T-A. GRCh37 (hg19) VCF-style: chr2-128028971-T-A.
Other names: c.1694A>T, p.His565Leu (NM_001303416.2, NM_001303418.2); short protein forms H629L, H565L.
Identifiers: ClinVar variation 1390317 (VCV001390317.8), dbSNP rs753886932, ClinGen allele CA1858152.
Genomic context (GRCh38, chr2:127,271,395, plus strand): 5'-CCTTTTTTAGCTCGAAGCACCCGCCCTAGCCTTTGGGCTTCCTGACGCCTGGAGCCACCA[T>A]GGGATGAGATCTGAATGAGGACATTTGCTTCCGGCAGATCAAACGAAGTGTCACCTACCT-3'
Protein context (NP_000113.1, residues 619-639): EANVLIQISS[His629Leu]GGSRRQEAQR